The following is an entry in ClinVar:

NM_206933.4(USH2A):c.10796C>T (p.Thr3599Ile)

Gene: USH2A (usherin; minus strand). Cytogenetic location: 1q41.
Variant type: single nucleotide variant.
Coding change: c.10796C>T on transcript NM_206933.4 (MANE Select); coding-DNA position 10796, C replaced by T.
Protein change: p.Thr3599Ile; replaces threonine 3599 with isoleucine.
Molecular consequence: missense variant.
Genome position (GRCh38, 1-based): chr1:215,779,986, G>A on the plus strand (C>T on the coding strand, the complement: USH2A is on the minus strand). VCF-style: chr1-215779986-G-A. GRCh37 (hg19) VCF-style: chr1-215953328-G-A.
Other names: short protein forms T3599I.
Identifiers: ClinVar variation 4975246 (VCV004975246.1).

ClinVar aggregate classification (germline): Uncertain significance (1 of 4 stars; one submission).

gnomAD v4.1: 1 of 1,614,158 alleles (0.000062%); highest among the groups gnomAD compares: Non-Finnish European, 0.000085%; no homozygotes.

Submission:

GeneDx
Classification: Uncertain significance. Last evaluated: 2026-01-24. Review status: criteria provided, single submitter. Criteria: GeneDx Variant Classification Process June 2021. Collection method: clinical testing. Allele origin: germline.
Comment: Not observed at significant frequency in large population cohorts (gnomAD); In silico analysis suggests that this missense variant does not alter protein structure/function; Has not been previously published as pathogenic or benign to our knowledge